The following is an entry in ClinVar:

NM_177438.3(DICER1):c.3823A>G (p.Met1275Val)

Gene: DICER1 (dicer 1, ribonuclease III; minus strand). Cytogenetic location: 14q32.13.
Variant type: single nucleotide variant.
Coding change: c.3823A>G on transcript NM_177438.3 (MANE Select); coding-DNA position 3823, A replaced by G.
Protein change: p.Met1275Val; replaces methionine 1275 with valine.
Molecular consequence: missense variant.
Genome position (GRCh38, 1-based): chr14:95,103,573, T>C on the plus strand (A>G on the coding strand, the complement: DICER1 is on the minus strand). VCF-style: chr14-95103573-T-C. GRCh37 (hg19) VCF-style: chr14-95569910-T-C.
Other names: c.3823A>G, p.Met1275Val (NM_001195573.1, NM_001271282.3, NM_001291628.2 and 1 more transcripts); short protein forms M1275V.
Identifiers: ClinVar variation 242092 (VCV000242092.19), dbSNP rs751764482, ClinGen allele CA7330983.

ClinVar aggregate classification (germline): Conflicting classifications of pathogenicity. Review status: criteria provided, conflicting classifications (1 of 4 stars). 5 submissions from 5 submitters: Uncertain significance (2); Likely benign (3). Last evaluated 2026-08-03.

Conditions:
DICER1-related disorder. Also called: DICER1-related condition.
DICER1-related tumor predisposition. Also called: DICER1 syndrome; DICER1-related pleuropulmonary blastoma cancer predisposition syndrome. Identifiers: Orphanet 284343, MedGen C3839822, MONDO:0100216.
Hereditary cancer-predisposing syndrome. Also called: Neoplastic Syndromes, Hereditary; Hereditary neoplastic syndrome; Hereditary Cancer Syndrome; Tumor predisposition. Identifiers: Orphanet 140162, MedGen C0027672, MeSH D009386, MONDO:0015356.

Allele frequency attached by ClinVar (database versions not stated): gnomAD exomes 0.00002; TOPMed 0.00002; ExAC 0.00003; gnomAD 0.00003.

Submissions (5):

PreventionGenetics, part of Exact Sciences
Classification: Likely benign for DICER1-related condition. Last evaluated: 2026-08-03. Review status: criteria provided, single submitter. Criteria: ACMG Guidelines, 2015. Collection method: clinical testing. Allele origin: germline.
Comment: This variant is classified as likely benign based on ACMG/AMP sequence variant interpretation guidelines (Richards et al. 2015 PMID: 25741868, with internal and published modifications).

Labcorp Genetics (formerly Invitae), Labcorp
Classification: Likely benign for DICER1-related tumor predisposition. Last evaluated: 2026-02-03. Review status: criteria provided, single submitter. Criteria: Invitae Variant Classification Sherloc (09022015). Collection method: clinical testing. Allele origin: germline.

Ambry Genetics
Classification: Likely benign for Hereditary cancer-predisposing syndrome. Last evaluated: 2024-05-01. Review status: criteria provided, single submitter. Criteria: Ambry Variant Classification Scheme 2023. Collection method: clinical testing. Allele origin: germline.

GeneDx
Classification: Uncertain significance. Last evaluated: 2023-11-25. Review status: criteria provided, single submitter. Criteria: GeneDx Variant Classification Process June 2021. Collection method: clinical testing. Allele origin: germline. Affected: yes.
Comment: Not observed at significant frequency in large population cohorts (gnomAD); In silico analysis supports that this missense variant does not alter protein structure/function; Has not been previously published as pathogenic or benign to our knowledge

Sema4
Classification: Uncertain significance for Hereditary cancer-predisposing syndrome. Last evaluated: 2022-02-19. Review status: criteria provided, single submitter. Criteria: Sema4 Curation Guidelines. Collection method: curation. Allele origin: germline.
Comment: To the best of our knowledge, the DICER1 c.3823A>G (p.M1275V) variant has not been reported in individuals with DICER1-related disease. This variant was observed in 5/113614 chromosomes in the Non-Finnish European subpopulation, with no homozygotes, according to the Genome Aggregation Database (PMID: 32461654) and has been reported in ClinVar (Variation ID: 242092). Functional studies have not been performed, and in silico predictions of the variant's effect on protein function are inconclusive. The evidence is insufficient to meet ACMG/AMP criteria for classifying the variant as benign or pathogenic. Thus, the clinical significance of this variant is currently uncertain.